The following is an entry in ClinVar:

NM_015338.6(ASXL1):c.3705C>A (p.Phe1235Leu)

Gene: ASXL1 (ASXL transcriptional regulator 1; plus strand). Cytogenetic location: 20q11.21.
Variant type: single nucleotide variant.
Coding change: c.3705C>A on transcript NM_015338.6 (MANE Select); coding-DNA position 3705, C replaced by A.
Protein change: p.Phe1235Leu; replaces phenylalanine 1235 with leucine.
Molecular consequence: missense variant.
Genome position (GRCh38, 1-based): chr20:32,436,417, C>A. VCF-style: chr20-32436417-C-A. GRCh37 (hg19) VCF-style: chr20-31024220-C-A.
Other names: c.3522C>A, p.Phe1174Leu (NM_001363734.1); short protein forms F1174L, F1235L.
Identifiers: ClinVar variation 4589003 (VCV004589003.1).

ClinVar aggregate classification (germline): Uncertain significance (1 of 4 stars; one submission).

Conditions:
Inborn genetic diseases. Identifiers: MedGen C0950123, MeSH D030342.

Submission:

Ambry Genetics
Classification: Uncertain significance for Inborn genetic diseases. Last evaluated: 2025-12-07. Review status: criteria provided, single submitter. Criteria: Ambry Variant Classification Scheme 2023. Collection method: clinical testing. Allele origin: germline.
Comment: The p.F1235L variant (also known as c.3705C>A), located in coding exon 13 of the ASXL1 gene, results from a C to A substitution at nucleotide position 3705. The phenylalanine at codon 1235 is replaced by leucine, an amino acid with highly similar properties. This amino acid position is conserved. In addition, this alteration is predicted to be tolerated by in silico analysis. Based on the available evidence, the clinical significance of this variant remains unclear.